The following is an entry in ClinVar:

ClinVar aggregate classification (germline): Pathogenic. Review status: reviewed by expert panel (3 of 4 stars). 3 submissions from 3 submitters: Pathogenic (1). 2 of the submissions do not count toward it. Last evaluated 2016-09-08.

Conditions:
Breast-ovarian cancer, familial, susceptibility to, 1 (BROVCA1). Also called: OVARIAN CANCER, SUSCEPTIBILITY TO; BRCA1 Hereditary Breast and Ovarian Cancer. Identifiers: Orphanet 145, MedGen C2676676, MONDO:0011450, OMIM 604370. Disease mechanism: loss of function.

Submissions (3):

Evidence-based Network for the Interpretation of Germline Mutant Alleles (ENIGMA)
Classification: Pathogenic for Breast-ovarian cancer, familial, susceptibility to, 1. Last evaluated: 2016-09-08. Review status: reviewed by expert panel. Criteria: ENIGMA BRCA1/2 Classification Criteria (2015). Collection method: curation. Allele origin: germline.
Comment: Variant allele predicted to encode a truncated non-functional protein.

Consortium of Investigators of Modifiers of BRCA1/2 (CIMBA), c/o University of Cambridge
Classification: Pathogenic for Breast-ovarian cancer, familial, susceptibility to, 1. Last evaluated: 2015-10-02. Review status: criteria provided, single submitter. Criteria: CIMBA Mutation Classification guidelines May 2016. Collection method: clinical testing. Allele origin: germline. Not counted in ClinVar's aggregate classification.

Sharing Clinical Reports Project (SCRP)
Classification: Pathogenic for Breast-ovarian cancer, familial 1. Last evaluated: 2007-01-26. Review status: no assertion criteria provided. Collection method: clinical testing. Allele origin: germline. Not counted in ClinVar's aggregate classification.

NM_007294.4(BRCA1):c.3174del (p.Asn1059fs)

Gene: BRCA1 (BRCA1 DNA repair associated; minus strand). Cytogenetic location: 17q21.31.
Variant type: Deletion.
Coding change: c.3174del on transcript NM_007294.4 (MANE Select); coding-DNA position 3174, one base deleted (T; older notation c.3174delT).
Protein change: p.Asn1059fs; shifts the reading frame from asparagine 1059.
Molecular consequence: frameshift variant. On other transcripts: intron variant (137).
Genome position (GRCh38, 1-based): chr17:43,092,357, A deleted on the plus strand (T on the coding strand, the reverse complement: BRCA1 is on the minus strand); the first of 2 consecutive A bases (chr17:43,092,357-43,092,358); deleting either gives the same sequence. VCF-style (leftmost placement, unchanged base first): chr17-43092356-TA-T. GRCh37 (hg19) VCF-style: chr17-41244373-TA-T.
Other names: 3293delT; c.3174delT (NM_007294.3); c.2961del, p.Asn988fs (NM_001407571.1, NM_001407853.1, NM_001407894.1 and 9 more transcripts); c.3174del, p.Asn1059fs (NM_001407581.1, NM_001407582.1, NM_001407583.1 and 30 more transcripts); c.3171del, p.Asn1058fs (NM_001407587.1, NM_001407590.1, NM_001407591.1 and 22 more transcripts); c.3165del, p.Asn1056fs (NM_001407646.1, NM_001407647.1); c.3051del, p.Asn1018fs (NM_001407648.1, NM_001407664.1, NM_001407665.1 and 19 more transcripts); c.3048del, p.Asn1017fs (NM_001407649.1, NM_001407670.1, NM_001407671.1 and 11 more transcripts); and 43 more; short protein forms N1059fs, N1012fs, N1011fs, N1017fs, N763fs, N970fs, N971fs, N891fs.
Identifiers: ClinVar variation 37512 (VCV000037512.4), dbSNP rs397507210, ClinGen allele CA002069.
Genomic context (GRCh38, chr17:43,092,356, plus strand): 5'-TTGGCCCTCTGTTTCTACCTAGTTCTGCTTGAATGTTTTCATCACTGGAACCTATTTCAT[TA>T]ATACTGGAGCCCACTTCATTAGTACTGGAACCTACTTCATTAATATTGCTTGAGCTGGCT-3'